The following is an entry in ClinVar:

ClinVar aggregate classification (germline): Uncertain significance (1 of 4 stars; one submission).

Conditions:
Neonatal-onset encephalopathy with rigidity and seizures. Also called: Lethal neonatal spasticity-epileptic encephalopathy syndrome. Identifiers: Orphanet 435845, MedGen C3281029, MONDO:0013784, OMIM 614498.

Allele frequency attached by ClinVar (database versions not stated): gnomAD 0.00001; gnomAD exomes 0.00001; TOPMed 0.00001; ESP Exome Variant Server 0.00008.
gnomAD v4.1: 6 of 1,607,756 alleles (0.00037%); highest among the groups gnomAD compares: Non-Finnish European, 0.00051%; no homozygotes.

Submission:

Labcorp Genetics (formerly Invitae), Labcorp
Classification: Uncertain significance for Neonatal-onset encephalopathy with rigidity and seizures. Last evaluated: 2021-08-31. Review status: criteria provided, single submitter. Criteria: Invitae Variant Classification Sherloc (09022015). Collection method: clinical testing. Allele origin: germline.
Comment: This sequence change replaces cysteine with tryptophan at codon 416 of the BRAT1 protein (p.Cys416Trp). The cysteine residue is highly conserved and there is a large physicochemical difference between cysteine and tryptophan. This variant is not present in population databases (ExAC no frequency). This variant has not been reported in the literature in individuals affected with BRAT1-related conditions. Algorithms developed to predict the effect of missense changes on protein structure and function are either unavailable or do not agree on the potential impact of this missense change (SIFT: "Deleterious"; PolyPhen-2: "Probably Damaging"; Align-GVGD: "Class C15"). In summary, the available evidence is currently insufficient to determine the role of this variant in disease. Therefore, it has been classified as a Variant of Uncertain Significance.

NM_152743.4(BRAT1):c.1248T>G (p.Cys416Trp)

Gene: BRAT1 (BRCA1 associated ATM activator 1; minus strand). Cytogenetic location: 7p22.3.
Variant type: single nucleotide variant.
Coding change: c.1248T>G on transcript NM_152743.4 (MANE Select); coding-DNA position 1248, T replaced by G.
Protein change: p.Cys416Trp; replaces cysteine 416 with tryptophan.
Molecular consequence: missense variant. On other transcripts: non-coding transcript variant (1).
Genome position (GRCh38, 1-based): chr7:2,541,371, A>C on the plus strand (T>G on the coding strand, the complement: BRAT1 is on the minus strand). VCF-style: chr7-2541371-A-C. GRCh37 (hg19) VCF-style: chr7-2581005-A-C.
Other names: c.1248T>G, p.Cys416Trp (NM_001350626.2); c.723T>G, p.Cys241Trp (NM_001350627.2); short protein forms C241W, C416W.
Identifiers: ClinVar variation 958783 (VCV000958783.7), dbSNP rs377415829, ClinGen allele CA152667302.